The following is an entry in ClinVar:

NM_006019.4(TCIRG1):c.1165G>A (p.Ala389Thr)

Gene: TCIRG1 (T cell immune regulator 1, ATPase H+ transporting V0 subunit a3; plus strand). Cytogenetic location: 11q13.2.
Variant type: single nucleotide variant.
Coding change: c.1165G>A on transcript NM_006019.4 (MANE Select); coding-DNA position 1165, G replaced by A.
Protein change: p.Ala389Thr; replaces alanine 389 with threonine.
Molecular consequence: missense variant.
Genome position (GRCh38, 1-based): chr11:68,045,102, G>A. VCF-style: chr11-68045102-G-A. GRCh37 (hg19) VCF-style: chr11-67812569-G-A.
Other names: c.271G>A, p.Ala91Thr (NM_001351059.2); c.517G>A, p.Ala173Thr (NM_006053.4); short protein forms A91T, A389T, A173T.
Identifiers: ClinVar variation 1371055 (VCV001371055.4), dbSNP rs1325653652, ClinGen allele CA381581548.

ClinVar aggregate classification (germline): Uncertain significance (1 of 4 stars; one submission).

Allele frequency attached by ClinVar (database versions not stated): gnomAD 0.00001; gnomAD exomes 0.00001; TOPMed 0.00001.
gnomAD v4.1: 11 of 1,600,612 alleles (0.00069%); highest among the groups gnomAD compares: African/African-American, 0.0027%; no homozygotes.

Submission:

Labcorp Genetics (formerly Invitae), Labcorp
Classification: Uncertain significance. Last evaluated: 2022-06-20. Review status: criteria provided, single submitter. Criteria: Invitae Variant Classification Sherloc (09022015). Collection method: clinical testing. Allele origin: germline.
Comment: This sequence change replaces alanine, which is neutral and non-polar, with threonine, which is neutral and polar, at codon 389 of the TCIRG1 protein (p.Ala389Thr). This variant also falls at the last nucleotide of exon 10, which is part of the consensus splice site for this exon. This variant is not present in population databases (gnomAD no frequency). This variant has not been reported in the literature in individuals affected with TCIRG1-related conditions. Algorithms developed to predict the effect of missense changes on protein structure and function are either unavailable or do not agree on the potential impact of this missense change (SIFT: "Deleterious"; PolyPhen-2: "Probably Damaging"; Align-GVGD: "Class C0"). Variants that disrupt the consensus splice site are a relatively common cause of aberrant splicing (PMID: 17576681, 9536098). Algorithms developed to predict the effect of sequence changes on RNA splicing suggest that this variant may disrupt the consensus splice site. In summary, the available evidence is currently insufficient to determine the role of this variant in disease. Therefore, it has been classified as a Variant of Uncertain Significance.

Literature cited by the submitters: PubMed 17576681; PubMed 9536098.